The following is an entry in ClinVar:

NM_000321.3(RB1):c.1635_1636del (p.Glu545fs)

Gene: RB1 (RB transcriptional corepressor 1; plus strand). Cytogenetic location: 13q14.2.
Variant type: Deletion.
Coding change: c.1635_1636del on transcript NM_000321.3 (MANE Select); coding-DNA positions 1635 to 1636, 2 bases deleted (AA; older notation c.1635_1636delAA).
Protein change: p.Glu545fs; shifts the reading frame from glutamic acid 545.
Molecular consequence: frameshift variant.
Genome position (GRCh38, 1-based): chr13:48,381,383-48,381,384, AA deleted; deleting any 2 consecutive bases within chr13:48,381,382-48,381,384 gives the same sequence; the c. name uses the placement nearest the transcript's 3' end. VCF-style (leftmost placement, unchanged base first): chr13-48381381-GAA-G. GRCh37 (hg19) VCF-style: chr13-48955517-GAA-G.
Other names: c.1635_1636del, p.Glu545fs (NM_001407165.1, NM_001407166.1); short protein forms E545fs.
Identifiers: ClinVar variation 2824218 (VCV002824218.3), dbSNP rs2138145527, ClinGen allele CA2739277609.

ClinVar aggregate classification (germline): Pathogenic (1 of 4 stars; one submission).

Conditions:
Retinoblastoma (RB1). Also called: RETINOBLASTOMA, SOMATIC. Identifiers: Orphanet 790, MedGen C0035335, MeSH D012175, MONDO:0008380, OMIM 180200, HP:0009919. Disease mechanism: loss of function. Inheritance: Both sporadic and heritable forms are tested..

Submission:

Labcorp Genetics (formerly Invitae), Labcorp
Classification: Pathogenic for Retinoblastoma. Last evaluated: 2022-12-26. Review status: criteria provided, single submitter. Criteria: Invitae Variant Classification Sherloc (09022015). Collection method: clinical testing. Allele origin: germline.
Comment: For these reasons, this variant has been classified as Pathogenic. This premature translational stop signal has been observed in individual(s) with retinoblastoma (PMID: 20447117). This variant is not present in population databases (gnomAD no frequency). This sequence change creates a premature translational stop signal (p.Glu545Aspfs*9) in the RB1 gene. It is expected to result in an absent or disrupted protein product. Loss-of-function variants in RB1 are known to be pathogenic (PMID: 17096365).

Literature cited by the submitters: PubMed 20447117; PubMed 17096365.